The following is an entry in ClinVar:

ClinVar aggregate classification (germline): Uncertain significance (1 of 4 stars; one submission).

Allele frequency attached by ClinVar (database versions not stated): TOPMed 0.00001; gnomAD 0.00001.
gnomAD v4.1: 6 of 1,594,264 alleles (0.00038%); highest among the groups gnomAD compares: African/African-American, 0.0067%; no homozygotes.

Submission:

Labcorp Genetics (formerly Invitae), Labcorp
Classification: Uncertain significance. Last evaluated: 2022-07-29. Review status: criteria provided, single submitter. Criteria: Invitae Variant Classification Sherloc (09022015). Collection method: clinical testing. Allele origin: germline.
Comment: This sequence change replaces isoleucine, which is neutral and non-polar, with leucine, which is neutral and non-polar, at codon 524 of the MPDZ protein (p.Ile524Leu). In summary, the available evidence is currently insufficient to determine the role of this variant in disease. Therefore, it has been classified as a Variant of Uncertain Significance. Algorithms developed to predict the effect of missense changes on protein structure and function output the following: SIFT: "Tolerated"; PolyPhen-2: "Benign"; Align-GVGD: "Class C0". The leucine amino acid residue is found in multiple mammalian species, which suggests that this missense change does not adversely affect protein function. This variant has not been reported in the literature in individuals affected with MPDZ-related conditions. This variant is present in population databases (no rsID available, gnomAD 0.007%).

NM_001378778.1(MPDZ):c.1570A>T (p.Ile524Leu)

Gene: MPDZ (multiple PDZ domain crumbs cell polarity complex component; minus strand). Cytogenetic location: 9p23.
Variant type: single nucleotide variant.
Coding change: c.1570A>T on transcript NM_001378778.1 (MANE Select); coding-DNA position 1570, A replaced by T.
Protein change: p.Ile524Leu; replaces isoleucine 524 with leucine.
Molecular consequence: missense variant.
Genome position (GRCh38, 1-based): chr9:13,196,207, T>A on the plus strand (A>T on the coding strand, the complement: MPDZ is on the minus strand). VCF-style: chr9-13196207-T-A. GRCh37 (hg19) VCF-style: chr9-13196206-T-A.
Other names: c.1570A>T, p.Ile524Leu (NM_001261406.2, NM_001261407.2, NM_001375424.1 and 14 more transcripts); short protein forms I524L.
Identifiers: ClinVar variation 2064430 (VCV002064430.4), dbSNP rs900924639, ClinGen allele CA189292472.